The following is an entry in ClinVar:

NM_002718.5(PPP2R3A):c.3329+7A>G

Gene: PPP2R3A (protein phosphatase 2 regulatory subunit B''alpha; plus strand). Cytogenetic location: 3q22.3.
Variant type: single nucleotide variant.
Coding change: c.3329+7A>G on transcript NM_002718.5 (MANE Select); 7 bases into the intron after coding-DNA position 3329, A replaced by G.
Molecular consequence: intron variant.
Genome position (GRCh38, 1-based): chr3:136,106,329, A>G. VCF-style: chr3-136106329-A-G. GRCh37 (hg19) VCF-style: chr3-135825171-A-G.
Other names: c.1121+7A>G (NM_001190447.2); c.1466+7A>G (NM_181897.3).
Identifiers: ClinVar variation 3042096 (VCV003042096.2), dbSNP rs75838206, ClinGen allele CA2631135.

ClinVar aggregate classification (germline): Benign (0 of 4 stars; one submission).

Conditions:
PPP2R3A-related disorder. Also called: PPP2R3A-related condition.

Allele frequency attached by ClinVar (database versions not stated): ExAC 0.01487; gnomAD 0.04507; 1000 Genomes Project 0.04892; TOPMed 0.05050; ESP Exome Variant Server 0.05144; 1000 Genomes Project 30x 0.05450.
gnomAD v4.1: 14,079 of 1,609,530 alleles (0.87%); highest among the groups gnomAD compares: African/African-American, 15%; 957 homozygotes.

Submission:

PreventionGenetics, part of Exact Sciences
Classification: Benign for PPP2R3A-related condition. Last evaluated: 2019-03-25. Review status: no assertion criteria provided. Collection method: clinical testing. Allele origin: germline.
Comment: This variant is classified as benign based on ACMG/AMP sequence variant interpretation guidelines (Richards et al. 2015 PMID: 25741868, with internal and published modifications).